The following is an entry in ClinVar:

ClinVar aggregate classification (germline): Likely pathogenic (1 of 4 stars; one submission).

Submission:

GeneDx
Classification: Likely pathogenic. Last evaluated: 2025-06-03. Review status: criteria provided, single submitter. Criteria: GeneDx Variant Classification Process June 2021. Collection method: clinical testing. Allele origin: germline. Affected: yes.
Comment: Not observed at significant frequency in large population cohorts (gnomAD); Frameshift variant predicted to result in protein truncation or nonsense mediated decay in a gene for which loss of function is a known mechanism of disease; Has not been previously published as pathogenic or benign in association with an FLNC-related disorder to our knowledge; This variant is associated with the following publications: (PMID: 35699965)

NM_001458.5(FLNC):c.1927_1948del (p.Ile643fs)

Gene: FLNC (filamin C; plus strand). Cytogenetic location: 7q32.1.
Variant type: Deletion.
Coding change: c.1927_1948del on transcript NM_001458.5 (MANE Select); coding-DNA positions 1927 to 1948, 22 bases deleted (ATCTGTGACGATGAGGACATCC).
Protein change: p.Ile643fs; shifts the reading frame from isoleucine 643.
Molecular consequence: frameshift variant.
Genome position (GRCh38, 1-based): chr7:128,841,283-128,841,304, ATCTGTGACGATGAGGACATCC deleted; deleting any 22 consecutive bases within chr7:128,841,282-128,841,304 gives the same sequence; the c. name uses the placement nearest the transcript's 3' end. VCF-style (leftmost placement, unchanged base first): chr7-128841281-TCATCTGTGACGATGAGGACATC-T. GRCh37 (hg19) VCF-style: chr7-128481335-TCATCTGTGACGATGAGGACATC-T.
Other names: c.1927_1948del, p.Ile643fs (NM_001127487.2); c.1927_1948del22, p.Ile643Glufs (NM_001458.4); short protein forms I643fs.
Identifiers: ClinVar variation 4536269 (VCV004536269.1).
Genomic context (GRCh38, chr7:128,841,281, plus strand): 5'-GGGATGGCTCCTGCGATGTGCGGTACTGGCCCACGGAGCCTGGGGAGTACGCTGTGCACG[TCATCTGTGACGATGAGGACATC>T]CGAGACTCACCCTTCATTGCCCACATCCTGCCCGCCCCACCTGACTGCTTCCCAGATAAG-3'